The following is an entry in ClinVar:

NM_153240.5(NPHP3):c.35del (p.Gly12fs)

Genes: NPHP3 (nephrocystin 3; minus strand), NPHP3-AS1 (NPHP3 antisense RNA 1; plus strand), NPHP3-ACAD11 (NPHP3-ACAD11 readthrough (NMD candidate); minus strand). Cytogenetic location: 3q22.1.
Variant type: Deletion.
Coding change: c.35del on transcript NM_153240.5 (MANE Select); coding-DNA position 35, one base deleted (G; older notation c.35delG).
Protein change: p.Gly12fs; shifts the reading frame from glycine 12.
Molecular consequence: frameshift variant. On other transcripts: non-coding transcript variant (3).
Genome position (GRCh38, 1-based): chr3:132,722,321, C deleted on the plus strand (G on the coding strand, the reverse complement: NPHP3 is on the minus strand); the first of 3 consecutive C bases (chr3:132,722,321-132,722,323); deleting any one gives the same sequence. VCF-style (leftmost placement, unchanged base first): chr3-132722320-GC-G. GRCh37 (hg19) VCF-style: chr3-132441164-GC-G.
Other names: short protein forms G12fs.
Identifiers: ClinVar variation 3393039 (VCV003393039.1).

ClinVar aggregate classification (germline): Likely pathogenic (1 of 4 stars; one submission).

Conditions:
Nephronophthisis 3 (NPHP3). Also called: Adolescent nephronophthisis. Identifiers: Orphanet 655, MedGen C1858392, MONDO:0011456, OMIM 604387.
NPHP3-related Meckel-like syndrome. Also called: GOLDSTON SYNDROME; Meckel syndrome type 7. Identifiers: Orphanet 3032, MedGen C2673885, MONDO:0009966, OMIM 267010.
Renal-hepatic-pancreatic dysplasia 1 (RHPD1). Identifiers: MedGen C3715199, MONDO:0008833, OMIM 208540.

Submission:

Institute of Human Genetics, Heidelberg University
Classification: Likely pathogenic for NPHP3-related Meckel-like syndrome; Nephronophthisis 3; Renal-hepatic-pancreatic dysplasia 1. Last evaluated: 2020-12-13. Review status: criteria provided, single submitter. Criteria: ACMG Guidelines, 2015. Collection method: clinical testing. Allele origin: biparental. Affected: yes.
Comment: This variant was detected in homozygous state.